The following is an entry in ClinVar:

ClinVar aggregate classification (germline): Pathogenic (1 of 4 stars; one submission).

Conditions:
Juvenile polyposis syndrome (JPS). Identifiers: Orphanet 2929, MedGen C0345893, MONDO:0017380, OMIM 174900.

Submission:

Labcorp Genetics (formerly Invitae), Labcorp
Classification: Pathogenic for Juvenile polyposis syndrome. Last evaluated: 2024-03-16. Review status: criteria provided, single submitter. Criteria: Invitae Variant Classification Sherloc (09022015). Collection method: clinical testing. Allele origin: germline.
Comment: This sequence change creates a premature translational stop signal (p.Arg329Cysfs*33) in the BMPR1A gene. It is expected to result in an absent or disrupted protein product. Loss-of-function variants in BMPR1A are known to be pathogenic (PMID: 11536076, 12417513). This variant is not present in population databases (gnomAD no frequency). This variant has not been reported in the literature in individuals affected with BMPR1A-related conditions. For these reasons, this variant has been classified as Pathogenic.

Literature cited by the submitters: PubMed 11536076; PubMed 12417513.

NM_004329.3(BMPR1A):c.985_991del (p.Arg329fs)

Gene: BMPR1A (bone morphogenetic protein receptor type 1A; plus strand). Cytogenetic location: 10q23.2.
Variant type: Deletion.
Coding change: c.985_991del on transcript NM_004329.3 (MANE Select); coding-DNA positions 985 to 991, 7 bases deleted (AGAGCCC; older notation c.985_991delAGAGCCC).
Protein change: p.Arg329fs; shifts the reading frame from arginine 329.
Molecular consequence: frameshift variant. On other transcripts: non-coding transcript variant (3).
Genome position (GRCh38, 1-based): chr10:86,919,288-86,919,294, AGAGCCC deleted; deleting any 7 consecutive bases within chr10:86,919,286-86,919,294 gives the same sequence; the c. name uses the placement nearest the transcript's 3' end. VCF-style (leftmost placement, unchanged base first): chr10-86919285-ACCAGAGC-A. GRCh37 (hg19) VCF-style: chr10-88679042-ACCAGAGC-A.
Other names: c.1060_1066del, p.Arg354fs (NM_001406559.1); c.1033_1039del, p.Arg345fs (NM_001406560.1); c.985_991del, p.Arg329fs (NM_001406561.1, NM_001406562.1, NM_001406563.1 and 19 more transcripts); c.979_985del, p.Arg327fs (NM_001406583.1); c.901_907del, p.Arg301fs (NM_001406584.1, NM_001406585.1, NM_001406586.1 and 2 more transcripts); c.643_649del, p.Arg215fs (NM_001406589.1); short protein forms R215fs, R301fs, R354fs, R327fs, R329fs, R345fs.
Identifiers: ClinVar variation 3646307 (VCV003646307.2).